The following is an entry in ClinVar:

NM_003579.4(RAD54L):c.1464G>C (p.Lys488Asn)

Gene: RAD54L (RAD54 like; plus strand). Cytogenetic location: 1p34.1.
Variant type: single nucleotide variant.
Coding change: c.1464G>C on transcript NM_003579.4 (MANE Select); coding-DNA position 1464, G replaced by C.
Protein change: p.Lys488Asn; replaces lysine 488 with asparagine.
Molecular consequence: missense variant.
Genome position (GRCh38, 1-based): chr1:46,273,443, G>C. VCF-style: chr1-46273443-G-C. GRCh37 (hg19) VCF-style: chr1-46739115-G-C.
Other names: c.1464G>C, p.Lys488Asn (NM_001142548.2); c.924G>C, p.Lys308Asn (NM_001370766.1); short protein forms K488N, K308N.
Identifiers: ClinVar variation 3312470 (VCV003312470.1).
Genomic context (GRCh38, chr1:46,273,443, plus strand): 5'-GGAAGAGGAGGATGGCTTTGTGGGTGCCTTGGACCTCTTCCCTCCTGGTTACAGCTCTAA[G>C]GCCCTGGAGCCCCAGCTGTCAGGTGACCCTTTTCCTACCAGTATTTGGGCTTCTCTAGGA-3'
Protein context (NP_003570.2, residues 478-498): LDLFPPGYSS[Lys488Asn]ALEPQLSGKM

ClinVar aggregate classification (germline): Uncertain significance (1 of 4 stars; one submission).

Submission:

Ambry Genetics
Classification: Uncertain significance. Last evaluated: 2024-05-07. Review status: criteria provided, single submitter. Criteria: Ambry Variant Classification Scheme 2023. Collection method: clinical testing. Allele origin: germline.
Comment: The p.K488N variant (also known as c.1464G>C), located in coding exon 13 of the RAD54L gene, results from a G to C substitution at nucleotide position 1464. The lysine at codon 488 is replaced by asparagine, an amino acid with similar properties. This amino acid position is conserved. In addition, this alteration is predicted to be tolerated by in silico analysis. Based on the available evidence, the clinical significance of this variant remains unclear.